The following is an entry in ClinVar:

ClinVar aggregate classification (germline): Uncertain significance. Review status: criteria provided, multiple submitters, no conflicts (2 of 4 stars). 2 submissions from 2 submitters: Uncertain significance (2). Last evaluated 2026-04-19.

Conditions:
Autosomal recessive limb-girdle muscular dystrophy type 2Q (LGMDR17). Also called: MUSCULAR DYSTROPHY, LIMB-GIRDLE, AUTOSOMAL RECESSIVE 17. Identifiers: Orphanet 254361, MedGen C3150989, MONDO:0013390, OMIM 613723.
Epidermolysis bullosa simplex, Ogna type (EBS5A). Also called: Pidermolysis bullosa simplex 5A, Ogna type; EPIDERMOLYSIS BULLOSA SIMPLEX 5A, OGNA TYPE. Identifiers: Orphanet 79401, MedGen C0432317, MONDO:0007555, OMIM 131950.
Epidermolysis bullosa simplex 5B, with muscular dystrophy (EBS5B). Also called: Epidermolysis bullosa simplex with muscular dystrophy; EPIDERMOLYSIS BULLOSA SIMPLEX AND LIMB-GIRDLE MUSCULAR DYSTROPHY. Identifiers: Orphanet 257, MedGen C2931072, MONDO:0009181, OMIM 226670.
Epidermolysis bullosa simplex with nail dystrophy (EBS5D). Identifiers: MedGen C4225309, MONDO:0014661, OMIM 616487.
Epidermolysis bullosa simplex 5C, with pyloric atresia (EBS5C). Also called: PLEC1-Related Epidermolysis Bullosa with Pyloric Atresia; PLEC-Related Epidermolysis Bullosa with Pyloric Atresia; Epidermolysis bullosa simplex with pyloric atresia. Identifiers: Orphanet 158684, MedGen C2677349, MONDO:0012807, OMIM 612138.
PLEC-related disorder. Also called: PLEC-related disorders; PLEC-related condition.

Allele frequency attached by ClinVar (database versions not stated): gnomAD exomes below 0.00001; gnomAD 0.00001; TOPMed 0.00002.
gnomAD v4.1: 16 of 1,611,868 alleles (0.00099%); highest among the groups gnomAD compares: Admixed American, 0.0017%; no homozygotes.

Submissions (2):

PreventionGenetics, part of Exact Sciences
Classification: Uncertain significance for PLEC-related condition. Last evaluated: 2026-04-19. Review status: criteria provided, single submitter. Criteria: ACMG Guidelines, 2015. Collection method: clinical testing. Allele origin: germline.
Comment: The PLEC c.3953C>T variant is predicted to result in the amino acid substitution p.Ala1318Val. To our knowledge, this variant has not been reported in the literature. This variant is reported in 0.00089% of alleles in individuals of European (Non-Finnish) descent in gnomAD. At this time, the clinical significance of this variant is uncertain due to the absence of conclusive functional and genetic evidence.

Labcorp Genetics (formerly Invitae), Labcorp
Classification: Uncertain significance for Autosomal recessive limb-girdle muscular dystrophy type 2Q; Epidermolysis bullosa simplex, Ogna type; Epidermolysis bullosa simplex with nail dystrophy; Epidermolysis bullosa simplex 5C, with pyloric atresia; Epidermolysis bullosa simplex 5B, with muscular dystrophy. Last evaluated: 2019-05-27. Review status: criteria provided, single submitter. Criteria: Invitae Variant Classification Sherloc (09022015). Collection method: clinical testing. Allele origin: germline.
Comment: Algorithms developed to predict the effect of sequence changes on RNA splicing suggest that this variant may create or strengthen a splice site, but this prediction has not been confirmed by published transcriptional studies. Algorithms developed to predict the effect of missense changes on protein structure and function are either unavailable or do not agree on the potential impact of this missense change (SIFT: "Deleterious"; PolyPhen-2: "Not Available"; Align-GVGD: "Class C55"). This variant has not been reported in the literature in individuals with PLEC-related conditions. This variant is not present in population databases (ExAC no frequency). This sequence change replaces alanine with valine at codon 1318 of the PLEC protein (p.Ala1318Val). The alanine residue is highly conserved and there is a small physicochemical difference between alanine and valine. In summary, the available evidence is currently insufficient to determine the role of this variant in disease. Therefore, it has been classified as a Variant of Uncertain Significance.

NM_201384.3(PLEC):c.3872C>T (p.Ala1291Val)

Gene: PLEC (plectin; minus strand). Cytogenetic location: 8q24.3.
Variant type: single nucleotide variant.
Coding change: c.3872C>T on transcript NM_201384.3 (MANE Select); coding-DNA position 3872, C replaced by T.
Protein change: p.Ala1291Val; replaces alanine 1291 with valine.
Molecular consequence: missense variant.
Genome position (GRCh38, 1-based): chr8:143,927,050, G>A on the plus strand (C>T on the coding strand, the complement: PLEC is on the minus strand). VCF-style: chr8-143927050-G-A. GRCh37 (hg19) VCF-style: chr8-145001218-G-A.
Other names: c.3953C>T, p.Ala1318Val (NM_000445.5); c.3830C>T, p.Ala1277Val (NM_201378.4); c.3806C>T, p.Ala1269Val (NM_201379.3); c.4283C>T, p.Ala1428Val (NM_201380.4); c.3776C>T, p.Ala1259Val (NM_201381.3); c.3872C>T, p.Ala1291Val (NM_201382.4); c.3884C>T, p.Ala1295Val (NM_201383.3); short protein forms A1277V, A1291V, A1428V, A1269V, A1295V, A1259V, A1318V.
Identifiers: ClinVar variation 946622 (VCV000946622.8), dbSNP rs1564077346, ClinGen allele CA372563919.